The following is an entry in ClinVar:

ClinVar aggregate classification (germline): Pathogenic. Review status: criteria provided, multiple submitters, no conflicts (2 of 4 stars). 2 submissions from 2 submitters: Pathogenic (2). Last evaluated 2023-05-06.

Conditions:
Marfan syndrome (MFS). Also called: FBN1-Related Marfan Syndrome; Marfan syndrome, classic; MARFAN SYNDROME, TYPE I; Marfan syndrome type 1; Marfan's syndrome. Identifiers: Orphanet 284963, Orphanet 558, MedGen C0024796, MONDO:0007947, OMIM 154700.
Familial thoracic aortic aneurysm and aortic dissection (TAAD). Also called: Thoracic aortic aneurysms and dissections. Identifiers: Orphanet 91387, MedGen C4707243, MONDO:0019625.

Submissions (2):

Labcorp Genetics (formerly Invitae), Labcorp
Classification: Pathogenic for Marfan syndrome; Familial thoracic aortic aneurysm and aortic dissection. Last evaluated: 2023-05-06. Review status: criteria provided, single submitter. Criteria: Invitae Variant Classification Sherloc (09022015). Collection method: clinical testing. Allele origin: germline.
Comment: For these reasons, this variant has been classified as Pathogenic. ClinVar contains an entry for this variant (Variation ID: 42280). This premature translational stop signal has been observed in individuals with Marfan syndrome (PMID: 17657824, 24199744). It has also been observed to segregate with disease in related individuals. This variant is not present in population databases (gnomAD no frequency). This sequence change creates a premature translational stop signal (p.Gln351*) in the FBN1 gene. It is expected to result in an absent or disrupted protein product. Loss-of-function variants in FBN1 are known to be pathogenic (PMID: 17657824, 19293843).

Laboratory for Molecular Medicine, Mass General Brigham Personalized Medicine
Classification: Pathogenic for Marfan syndrome. Last evaluated: 2012-09-13. Review status: criteria provided, single submitter. Criteria: LMM Criteria. Collection method: clinical testing. Allele origin: germline. Inheritance: Autosomal dominant inheritance. Observed: 1 variant allele.
Comment: The Gln351X variant in FBN1 has been reported in one individual with clinical fe atures of Marfan syndrome (Comeglio 2007). This nonsense variant leads to a prem ature termination codon at position 351, which is predicted to lead to a truncat ed or absent protein. Heterozygous loss of function of the FBN1 gene is an estab lished disease mechanism in Marfan syndrome. In summary, this variant meets our criteria to be classified as pathogenic.

Literature cited by the submitters: PubMed 17657824 (cited by Labcorp Genetics (formerly Invitae), Labcorp and Laboratory for Molecular Medicine, Mass General Brigham Personalized Medicine); PubMed 24199744 (cited by Labcorp Genetics (formerly Invitae), Labcorp); PubMed 19293843 (cited by Labcorp Genetics (formerly Invitae), Labcorp).

NM_000138.5(FBN1):c.1051C>T (p.Gln351Ter)

Genes: FBN1 (fibrillin 1; minus strand), LOC113939944 (Sharpr-MPRA regulatory region 9539; plus strand). Cytogenetic location: 15q21.1.
Variant type: single nucleotide variant.
Coding change: c.1051C>T on transcript NM_000138.5 (MANE Select); coding-DNA position 1051, C replaced by T.
Protein change: p.Gln351Ter; replaces glutamine 351 with a stop codon.
Molecular consequence: nonsense.
Genome position (GRCh38, 1-based): chr15:48,520,755, G>A on the plus strand (C>T on the coding strand, the complement: FBN1 is on the minus strand). VCF-style: chr15-48520755-G-A. GRCh37 (hg19) VCF-style: chr15-48812952-G-A.
Other names: short protein forms Q351*.
Identifiers: ClinVar variation 42280 (VCV000042280.12), dbSNP rs397515753, ClinGen allele CA011893.